The following is an entry in ClinVar:

NM_000368.5(TSC1):c.2746C>G (p.Leu916Val)

Gene: TSC1 (TSC complex subunit 1; minus strand). Cytogenetic location: 9q34.13.
Variant type: single nucleotide variant.
Coding change: c.2746C>G on transcript NM_000368.5 (MANE Select); coding-DNA position 2746, C replaced by G.
Protein change: p.Leu916Val; replaces leucine 916 with valine.
Molecular consequence: missense variant. On other transcripts: non-coding transcript variant (5).
Genome position (GRCh38, 1-based): chr9:132,897,490, G>C on the plus strand (C>G on the coding strand, the complement: TSC1 is on the minus strand). VCF-style: chr9-132897490-G-C. GRCh37 (hg19) VCF-style: chr9-135772877-G-C.
Other names: c.2743C>G, p.Leu915Val (NM_001162426.2, NM_001406597.1, NM_001406598.1 and 2 more transcripts); c.2593C>G, p.Leu865Val (NM_001162427.2, NM_001406610.1); c.2383C>G, p.Leu795Val (NM_001362177.2, NM_001406614.1, NM_001406615.1 and 4 more transcripts); c.2746C>G, p.Leu916Val (NM_001406592.1, NM_001406593.1, NM_001406594.1 and 2 more transcripts); c.2731C>G, p.Leu911Val (NM_001406601.1, NM_001406602.1); c.2728C>G, p.Leu910Val (NM_001406603.1, NM_001406604.1); c.2704C>G, p.Leu902Val (NM_001406605.1, NM_001406606.1, NM_001406607.1); c.2701C>G, p.Leu901Val (NM_001406608.1, NM_001406609.1); and 8 more; short protein forms L565V, L598V, L599V, L780V, L781V, L794V, L795V, L850V.
Identifiers: ClinVar variation 3231306 (VCV003231306.1), dbSNP rs2131633483, ClinGen allele CA375369254.

ClinVar aggregate classification (germline): Uncertain significance (1 of 4 stars; one submission).

Conditions:
Hereditary cancer-predisposing syndrome. Also called: Neoplastic Syndromes, Hereditary; Tumor predisposition; Hereditary neoplastic syndrome; Hereditary Cancer Syndrome. Identifiers: Orphanet 140162, MedGen C0027672, MeSH D009386, MONDO:0015356.

Submission:

Ambry Genetics
Classification: Uncertain significance for Hereditary cancer-predisposing syndrome. Last evaluated: 2023-03-12. Review status: criteria provided, single submitter. Criteria: Ambry Variant Classification Scheme 2023. Collection method: clinical testing. Allele origin: germline.
Comment: The p.L916V variant (also known as c.2746C>G), located in coding exon 19 of the TSC1 gene, results from a C to G substitution at nucleotide position 2746. The leucine at codon 916 is replaced by valine, an amino acid with highly similar properties. This amino acid position is conserved. In addition, the in silico prediction for this alteration is inconclusive. Since supporting evidence is limited at this time, the clinical significance of this alteration remains unclear.